The following is an entry in ClinVar:

NR_023317.1(RNU7-1):n.49del

Genes: C12orf57 (chromosome 12 open reading frame 57; plus strand), RNU7-1 (RNA, U7 small nuclear 1; plus strand). Cytogenetic location: 12p13.31.
Variant type: Deletion.
Molecular consequence: non-coding transcript variant (on NR_023317.1). On other transcripts: intron variant (2).
Genome position: GRCh38 VCF-style: chr12-6943859-CT-C. GRCh37 (hg19) VCF-style: chr12-7053022-CT-C.
Other names: c.13+202del (NM_001301836.2); c.-16+202del (NM_001301834.1).
Identifiers: ClinVar variation 3778265 (VCV003778265.7).
Genomic context (GRCh38, chr12:6,943,859, plus strand): 5'-TCCAAACACATACGCAGCAGTGTTACAGCTCTTTTAGAATTTGTCTAGTAGGCTTTCTGG[CT>C]TTTTACCGGAAAGCCCCTCTTATGATGTTTGTTGCCAATGATAGATTGTTTTCACTGTGC-3'

ClinVar aggregate classification (germline): Uncertain significance (1 of 4 stars; one submission).

Submission:

CeGaT Center for Human Genetics Tuebingen
Classification: Uncertain significance. Last evaluated: 2025-03-01. Review status: criteria provided, single submitter. Criteria: CeGaT Center For Human Genetics Tuebingen Variant Classification Criteria Version 2. Collection method: clinical testing. Allele origin: germline. Affected: yes. Observed: 1 variant allele.
Comment: RNU7-1: PM2